The following is an entry in ClinVar:

ClinVar aggregate classification (germline): Uncertain significance (1 of 4 stars; one submission).

Conditions:
Noonan syndrome 9 (NS9). Identifiers: Orphanet 648, MedGen C4225282, MONDO:0014691, OMIM 616559.

Submission:

Labcorp Genetics (formerly Invitae), Labcorp
Classification: Uncertain significance for Noonan syndrome 9. Last evaluated: 2024-02-17. Review status: criteria provided, single submitter. Criteria: Invitae Variant Classification Sherloc (09022015). Collection method: clinical testing. Allele origin: germline.
Comment: This sequence change falls in intron 3 of the SOS2 gene. It does not directly change the encoded amino acid sequence of the SOS2 protein. It affects a nucleotide within the consensus splice site. This variant is not present in population databases (gnomAD no frequency). This variant has not been reported in the literature in individuals affected with SOS2-related conditions. Variants that disrupt the consensus splice site are a relatively common cause of aberrant splicing (PMID: 17576681, 9536098). Algorithms developed to predict the effect of sequence changes on RNA splicing suggest that this variant is not likely to affect RNA splicing. In summary, the available evidence is currently insufficient to determine the role of this variant in disease. Therefore, it has been classified as a Variant of Uncertain Significance.

Literature cited by the submitters: PubMed 17576681; PubMed 9536098.

NM_006939.4(SOS2):c.345+5_345+7del

Gene: SOS2 (SOS Ras/Rho guanine nucleotide exchange factor 2; minus strand). Cytogenetic location: 14q21.3.
Variant type: Deletion.
Coding change: c.345+5_345+7del on transcript NM_006939.4 (MANE Select); bases 5 to 7 of the intron after coding-DNA position 345, 3 bases deleted (CAA; older notation c.345+5_345+7delCAA).
Molecular consequence: intron variant.
Genome position (GRCh38, 1-based): chr14:50,200,946-50,200,948, TTG deleted on the plus strand (CAA on the coding strand, the reverse complement: SOS2 is on the minus strand); deleting any 3 consecutive bases within chr14:50,200,946-50,200,950 gives the same sequence; the c. name uses the placement nearest the transcript's 3' end. VCF-style (leftmost placement, unchanged base first): chr14-50200945-TTTG-T. GRCh37 (hg19) VCF-style: chr14-50667663-TTTG-T.
Other names: c.345+5_345+7del (NM_001411020.1).
Identifiers: ClinVar variation 3675516 (VCV003675516.2).